The following is an entry in ClinVar:

NM_006922.4(SCN3A):c.3743C>G (p.Thr1248Ser)

Gene: SCN3A (sodium voltage-gated channel alpha subunit 3; minus strand). Cytogenetic location: 2q24.3.
Variant type: single nucleotide variant.
Coding change: c.3743C>G on transcript NM_006922.4 (MANE Select); coding-DNA position 3743, C replaced by G.
Protein change: p.Thr1248Ser; replaces threonine 1248 with serine.
Molecular consequence: missense variant.
Genome position (GRCh38, 1-based): chr2:165,112,985, G>C on the plus strand (C>G on the coding strand, the complement: SCN3A is on the minus strand). VCF-style: chr2-165112985-G-C. GRCh37 (hg19) VCF-style: chr2-165969495-G-C.
Other names: c.3596C>G, p.Thr1199Ser (NM_001081676.2, NM_001081677.2); short protein forms T1248S, T1199S.
Identifiers: ClinVar variation 2077517 (VCV002077517.4), dbSNP rs2468150032, ClinGen allele CA349032535.

ClinVar aggregate classification (germline): Uncertain significance (1 of 4 stars; one submission).

Allele frequency attached by ClinVar (database versions not stated): gnomAD exomes below 0.00001.
gnomAD v4.1: 3 of 1,612,826 alleles (0.00019%); highest among the groups gnomAD compares: Non-Finnish European, 0.00025%; no homozygotes.

Submission:

Labcorp Genetics (formerly Invitae), Labcorp
Classification: Uncertain significance. Last evaluated: 2022-01-07. Review status: criteria provided, single submitter. Criteria: Invitae Variant Classification Sherloc (09022015). Collection method: clinical testing. Allele origin: germline.
Comment: This sequence change replaces threonine, which is neutral and polar, with serine, which is neutral and polar, at codon 1248 of the SCN3A protein (p.Thr1248Ser). This variant is not present in population databases (gnomAD no frequency). This variant has not been reported in the literature in individuals affected with SCN3A-related conditions. Algorithms developed to predict the effect of missense changes on protein structure and function are either unavailable or do not agree on the potential impact of this missense change (SIFT: "Deleterious"; PolyPhen-2: "Possibly Damaging"; Align-GVGD: "Class C0"). In summary, the available evidence is currently insufficient to determine the role of this variant in disease. Therefore, it has been classified as a Variant of Uncertain Significance.